The following is an entry in ClinVar:

ClinVar aggregate classification (germline): Benign. Review status: criteria provided, multiple submitters, no conflicts (2 of 4 stars). 5 submissions from 5 submitters: Benign (4). 1 of the submissions does not count toward it. Last evaluated 2026-02-01.

Conditions:
GSR-related disorder. Also called: GSR-related condition.
Hemolytic anemia due to glutathione reductase deficiency (CNSHA10). Also called: ANEMIA, CONGENITAL, NONSPHEROCYTIC HEMOLYTIC, 10. Identifiers: Orphanet 90030, MedGen C5231513, MONDO:0019531, OMIM 618660.

Allele frequency attached by ClinVar (database versions not stated): gnomAD exomes 0.00090 and 0.00119; ExAC 0.00185; gnomAD 0.01623 and 0.01737; TOPMed 0.01821; 1000 Genomes Project 0.02037; 1000 Genomes Project 30x 0.02171.

Submissions (5):

Labcorp Genetics (formerly Invitae), Labcorp
Classification: Benign. Last evaluated: 2026-02-01. Review status: criteria provided, single submitter. Criteria: Invitae Variant Classification Sherloc (09022015). Collection method: clinical testing. Allele origin: germline.

ARUP Laboratories, Molecular Genetics and Genomics, ARUP Laboratories
Classification: Benign for Hemolytic anemia due to glutathione reductase deficiency. Last evaluated: 2025-01-31. Review status: criteria provided, single submitter. Criteria: ARUP Molecular Germline Variant Investigation Process 2024. Collection method: clinical testing. Allele origin: germline.

Mayo Clinic Laboratories, Mayo Clinic
Classification: Benign. Last evaluated: 2016-08-25. Review status: criteria provided, single submitter. Criteria: ACMG Guidelines, 2015. Collection method: clinical testing. Allele origin: germline. Observed: 24 variant alleles.

Breakthrough Genomics
Classification: Benign. Review status: criteria provided, single submitter. Criteria: ACMG Guidelines, 2015. Collection method: not provided. Allele origin: germline. Inheritance: Autosomal recessive inheritance. Affected: yes.

PreventionGenetics, part of Exact Sciences
Classification: Benign for GSR-related condition. Last evaluated: 2019-05-23. Review status: no assertion criteria provided. Collection method: clinical testing. Allele origin: germline. Not counted in ClinVar's aggregate classification.
Comment: This variant is classified as benign based on ACMG/AMP sequence variant interpretation guidelines (Richards et al. 2015 PMID: 25741868, with internal and published modifications).

NM_000637.5(GSR):c.43A>G (p.Ser15Gly)

Genes: GSR (glutathione-disulfide reductase; minus strand), LOC130000170 (ATAC-STARR-seq lymphoblastoid silent region 19083; plus strand). Cytogenetic location: 8p12.
Variant type: single nucleotide variant.
Coding change: c.43A>G on transcript NM_000637.5 (MANE Select); coding-DNA position 43, A replaced by G.
Protein change: p.Ser15Gly; replaces serine 15 with glycine.
Molecular consequence: missense variant.
Genome position (GRCh38, 1-based): chr8:30,727,793, T>C on the plus strand (A>G on the coding strand, the complement: GSR is on the minus strand). VCF-style: chr8-30727793-T-C. GRCh37 (hg19) VCF-style: chr8-30585310-T-C.
Other names: p.Ser15Gly; c.43A>G, p.Ser15Gly (NM_001195102.3, NM_001195103.3, NM_001195104.3); short protein forms S15G.
Identifiers: ClinVar variation 775262 (VCV000775262.26), dbSNP rs144194626, ClinGen allele CA4701611.